The following is an entry in ClinVar:

ClinVar aggregate classification (germline): Likely benign. Review status: criteria provided, multiple submitters, no conflicts (2 of 4 stars). 2 submissions from 2 submitters: Likely benign (2). Last evaluated 2025-06-30.

Allele frequency attached by ClinVar (database versions not stated): TOPMed 0.00002; gnomAD 0.00004; ExAC 0.00005.

Submissions (2):

Labcorp Genetics (formerly Invitae), Labcorp
Classification: Likely benign. Last evaluated: 2025-06-30. Review status: criteria provided, single submitter. Criteria: Invitae Variant Classification Sherloc (09022015). Collection method: clinical testing. Allele origin: germline.

CeGaT Center for Human Genetics Tuebingen
Classification: Likely benign. Last evaluated: 2025-03-01. Review status: criteria provided, single submitter. Criteria: CeGaT Center For Human Genetics Tuebingen Variant Classification Criteria Version 2. Collection method: clinical testing. Allele origin: germline. Affected: yes. Observed: 1 variant allele.
Comment: EIF2B2: BP4, BP7

NM_014239.4(EIF2B2):c.183C>T (p.Ile61=)

Gene: EIF2B2 (eukaryotic translation initiation factor 2B subunit beta; plus strand). Cytogenetic location: 14q24.3.
Variant type: single nucleotide variant.
Coding change: c.183C>T on transcript NM_014239.4 (MANE Select); coding-DNA position 183, C replaced by T.
Protein change: p.Ile61=; no amino-acid change (isoleucine 61 retained).
Molecular consequence: synonymous variant.
Genome position (GRCh38, 1-based): chr14:75,003,294, C>T. VCF-style: chr14-75003294-C-T. GRCh37 (hg19) VCF-style: chr14-75469997-C-T.
Identifiers: ClinVar variation 758744 (VCV000758744.15), dbSNP rs764232354, ClinGen allele CA7274825.